The following is an entry in ClinVar:

ClinVar aggregate classification (germline): Conflicting classifications of pathogenicity. Review status: criteria provided, conflicting classifications (1 of 4 stars). 7 submissions from 7 submitters: Uncertain significance (5); Likely benign (2). Last evaluated 2026-08-01.

Conditions:
Ehlers-Danlos syndrome, periodontal type 1. Identifiers: Orphanet 75392, MedGen C4551499, MONDO:0020684, OMIM 130080.

Allele frequency attached by ClinVar (database versions not stated): ESP Exome Variant Server 0.00017; gnomAD exomes 0.00027 and 0.00032; gnomAD 0.00030 and 0.00033; TOPMed 0.00034; ExAC 0.00036.

Submissions (7):

CeGaT Center for Human Genetics Tuebingen
Classification: Likely benign. Last evaluated: 2026-08-01. Review status: criteria provided, single submitter. Criteria: CeGaT Center For Human Genetics Tuebingen Variant Classification Criteria Version 2. Collection method: clinical testing. Allele origin: germline. Affected: yes. Observed: 2 variant alleles.
Comment: C1R: BP4, BS2

GeneDx
Classification: Uncertain significance. Last evaluated: 2025-03-04. Review status: criteria provided, single submitter. Criteria: GeneDx Variant Classification Process June 2021. Collection method: clinical testing. Allele origin: germline. Affected: yes.
Comment: In silico analysis supports that this missense variant has a deleterious effect on protein structure/function; This variant is associated with the following publications: (PMID: 31749804, 38096369)

Women's Health and Genetics/Laboratory Corporation of America, LabCorp
Classification: Likely benign. Last evaluated: 2025-02-12. Review status: criteria provided, single submitter. Criteria: LabCorp Variant Classification Summary - May 2015. Collection method: clinical testing. Allele origin: germline.
Comment: Variant summary: C1R c.277G>T (p.Gly93Cys) results in a non-conservative amino acid change located in the CUB domain ( IPR000859) of the encoded protein sequence. Three of five in-silico tools predict a damaging effect of the variant on protein function. The variant allele was found at a frequency of 0.00027 in 196396 control chromosomes. The observed variant frequency is approximately 274 fold of the estimated maximal expected allele frequency for a pathogenic variant in C1R causing Ehlers-Danlos syndrome, periodontal type 1 phenotype (1e-06). c.277G>T has been reported in the literature in individuals affected with periodontal Ehlers-Danlos Syndrome and Purpura fulminans, without strong evidence for causality (Grobner_2019, Bendapudi_2024). These report(s) do not provide unequivocal conclusions about association of the variant with Ehlers-Danlos syndrome, periodontal type 1. At least one publication reports experimental evidence evaluating an impact on protein function, however, does not allow convincing conclusions about the variant effect (Grobner_2019),. The following publications have been ascertained in the context of this evaluation (PMID: 38096369, 31749804). ClinVar contains an entry for this variant (Variation ID: 597277). Based on the evidence outlined above, the variant was classified as likely benign.

Clinical Genetics Laboratory, Skane University Hospital Lund
Classification: Uncertain significance. Last evaluated: 2023-06-30. Review status: criteria provided, single submitter. Criteria: ACMG Guidelines, 2015. Collection method: clinical testing. Allele origin: germline. Affected: yes.

Fulgent Genetics
Classification: Uncertain significance for Ehlers-Danlos syndrome, periodontal type 1. Last evaluated: 2022-01-28. Review status: criteria provided, single submitter. Criteria: ACMG Guidelines, 2015. Collection method: clinical testing. Allele origin: unknown.

Eurofins Ntd Llc (ga)
Classification: Uncertain significance. Last evaluated: 2018-05-22. Review status: criteria provided, single submitter. Criteria: EGL ClinVar v180209 classification definitions. Collection method: clinical testing. Allele origin: germline. Observed: 1 variant allele, 1 heterozygote.

Breakthrough Genomics
Classification: Uncertain significance. Review status: criteria provided, single submitter. Criteria: ACMG Guidelines, 2015. Collection method: not provided. Allele origin: germline. Inheritance: Autosomal dominant inheritance. Affected: yes.

Literature cited by the submitters: PubMed 38096369 (cited by Women's Health and Genetics/Laboratory Corporation of America, LabCorp); PubMed 31749804 (cited by Women's Health and Genetics/Laboratory Corporation of America, LabCorp).

NM_001733.7(C1R):c.277G>T (p.Gly93Cys)

Gene: C1R (complement C1r; minus strand). Cytogenetic location: 12p13.31.
Variant type: single nucleotide variant.
Coding change: c.277G>T on transcript NM_001733.7 (MANE Select); coding-DNA position 277, G replaced by T.
Protein change: p.Gly93Cys; replaces glycine 93 with cysteine.
Molecular consequence: missense variant.
Genome position (GRCh38, 1-based): chr12:7,090,203, C>A on the plus strand (G>T on the coding strand, the complement: C1R is on the minus strand). VCF-style: chr12-7090203-C-A. GRCh37 (hg19) VCF-style: chr12-7242799-C-A.
Other names: c.319G>T, p.Gly107Cys (NM_001354346.2); c.277G>T (NM_001733.4); short protein forms G93C, G107C.
Identifiers: ClinVar variation 597277 (VCV000597277.15), dbSNP rs200185988, ClinGen allele CA6424289.
Genomic context (GRCh38, chr12:7,090,203, plus strand): 5'-GCATCTTGTTCCCTTGGGACATAAATTCCTTCTTTCCCGGGGGGTTGCCCAGTGGAGAAC[C>A]CAGTTGCCCACAGAACCTCCCCAGGCTTTTCTTATCAGCAGAGATCTGGTGGAAGAAGGA-3'
Protein context (NP_001724.4, residues 83-103): KSLGRFCGQL[Gly93Cys]SPLGNPPGKK